The following is an entry in ClinVar:

NM_001329752.2(TIMCC):c.229C>G (p.Leu77Val)

Gene: TIMCC (TIM double twin CX3C motif chaperone; minus strand). Cytogenetic location: 2p13.3.
Variant type: single nucleotide variant.
Coding change: c.229C>G on transcript NM_001329752.2 (MANE Select); coding-DNA position 229, C replaced by G.
Protein change: p.Leu77Val; replaces leucine 77 with valine.
Molecular consequence: missense variant. On other transcripts: intron variant (4).
Genome position (GRCh38, 1-based): chr2:70,301,783, G>C on the plus strand (C>G on the coding strand, the complement: TIMCC is on the minus strand). VCF-style: chr2-70301783-G-C. GRCh37 (hg19) VCF-style: chr2-70528915-G-C.
Other names: c.229C>G, p.Leu77Val (NM_001329753.2); c.87+142C>G (NM_032822.3); c.-89+142C>G (NM_001329758.2); c.-203+142C>G (NM_001329757.2); c.-630+142C>G (NM_001329755.2); short protein forms L77V.
Identifiers: ClinVar variation 1701380 (VCV001701380.31), dbSNP rs762894900, ClinGen allele CA347169721.
Genomic context (GRCh38, chr2:70,301,783, plus strand): 5'-CGCACGGCAAGGGCACACGGATTTCATCCGATCCGCCAAAGCTTCCGAAGTCCTGTCCGA[G>C]GCCGCCCCGGCGACCCCAGGGCCGCCCACACCCGGTCTGCGGGGACGCGGCTGCAGTGCA-3'
Protein context (NP_001316681.1, residues 67-87): CGRPWGRRGG[Leu77Val]GQDFGSFGGS

ClinVar aggregate classification (germline): Likely benign (1 of 4 stars; one submission).

Allele frequency attached by ClinVar (database versions not stated): gnomAD exomes 0.00001.
gnomAD v4.1: 1 of 1,546,614 alleles (0.000065%); highest among the groups gnomAD compares: South Asian, 0.0012%; no homozygotes.

Submission:

CeGaT Center for Human Genetics Tuebingen
Classification: Likely benign. Last evaluated: 2022-07-01. Review status: criteria provided, single submitter. Criteria: CeGaT Center For Human Genetics Tuebingen Variant Classification Criteria Version 2. Collection method: clinical testing. Allele origin: germline. Affected: yes. Observed: 1 variant allele.
Comment: TIMCC: BP4